The following is an entry in ClinVar:

ClinVar aggregate classification (germline): Uncertain significance (1 of 4 stars; one submission).

Allele frequency attached by ClinVar (database versions not stated): gnomAD exomes 0.00001.
gnomAD v4.1: 3 of 1,608,778 alleles (0.00019%); highest among the groups gnomAD compares: Admixed American, 0.005%; no homozygotes.

Submission:

Labcorp Genetics (formerly Invitae), Labcorp
Classification: Uncertain significance. Last evaluated: 2025-12-01. Review status: criteria provided, single submitter. Criteria: Invitae Variant Classification Sherloc (09022015). Collection method: clinical testing. Allele origin: germline.
Comment: This sequence change replaces glutamic acid, which is acidic and polar, with valine, which is neutral and non-polar, at codon 606 of the ERBIN protein (p.Glu606Val). This variant is present in population databases (no rsID available, gnomAD 0.006%). This variant has not been reported in the literature in individuals affected with ERBIN-related conditions. ClinVar contains an entry for this variant (Variation ID: 1375949). An algorithm developed to predict the effect of missense changes on protein structure and function (PolyPhen-2) suggests that this variant is likely to be disruptive. In summary, the available evidence is currently insufficient to determine the role of this variant in disease. Therefore, it has been classified as a Variant of Uncertain Significance.

NM_001253697.2(ERBIN):c.1817A>T (p.Glu606Val)

Gene: ERBIN (erbb2 interacting protein; plus strand). Cytogenetic location: 5q12.3.
Variant type: single nucleotide variant.
Coding change: c.1817A>T on transcript NM_001253697.2 (MANE Select); coding-DNA position 1817, A replaced by T.
Protein change: p.Glu606Val; replaces glutamic acid 606 with valine.
Molecular consequence: missense variant.
Genome position (GRCh38, 1-based): chr5:66,048,695, A>T. VCF-style: chr5-66048695-A-T. GRCh37 (hg19) VCF-style: chr5-65344523-A-T.
Other names: c.1817A>T, p.Glu606Val (NM_001006600.3, NM_001253698.2, NM_001253699.2 and 1 more transcripts); c.1805A>T, p.Glu602Val (NM_001253701.2); short protein forms E602V, E606V.
Identifiers: ClinVar variation 1375949 (VCV001375949.8), dbSNP rs1453759328, ClinGen allele CA359863494.
Genomic context (GRCh38, chr5:66,048,695, plus strand): 5'-AATTTTTATCCCCCTCACCCCCTTTTCACTAGGAATCTGAAGAACTTTCTTCTGATGAAG[A>T]GATGAAAATGGCGGAGATGCGACCACCATTAATTGAAACCTCTATTAACCAGCCAAAAGT-3'
Protein context (NP_001240626.1, residues 596-616): EESEELSSDE[Glu606Val]MKMAEMRPPL